The following is an entry in ClinVar:

NM_000535.7(PMS2):c.150delinsAG (p.Ala51fs)

Gene: PMS2 (PMS1 homolog 2, mismatch repair system component; minus strand). Cytogenetic location: 7p22.1.
Variant type: Indel.
Coding change: c.150delinsAG on transcript NM_000535.7 (MANE Select); coding-DNA position 150, T replaced by AG.
Protein change: p.Ala51fs; shifts the reading frame from alanine 51.
Molecular consequence: frameshift variant. On other transcripts: 5 prime UTR variant (38), non-coding transcript variant (1), intron variant (7).
Genome position (GRCh38, 1-based): chr7:6,005,905, A replaced by CT on the plus strand (T replaced by AG on the coding strand, the reverse complement: PMS2 is on the minus strand). VCF-style: chr7-6005905-A-CT. GRCh37 (hg19) VCF-style: chr7-6045536-A-CT.
Other names: c.-256delinsAG (NM_001322003.2, NM_001322005.2, NM_001322009.2 and 10 more transcripts); c.150delinsAG, p.Ala51fs (NM_001322006.2, NM_001322014.2, NM_001406868.1 and 10 more transcripts); c.-66delinsAG (NM_001322007.2, NM_001406876.1, NM_001406883.1 and 4 more transcripts); c.-735delinsAG (NM_001322011.2, NM_001322012.2); c.-335delinsAG (NM_001322015.2, NM_001406875.1, NM_001406877.1 and 2 more transcripts); c.336delinsAG, p.Ala113fs (NM_001406866.1); c.-282delinsAG (NM_001406880.1); c.-203delinsAG (NM_001406888.1, NM_001406889.1, NM_001406892.1 and 5 more transcripts); and 7 more; short protein forms A113fs, A51fs.
Identifiers: ClinVar variation 4812982 (VCV004812982.1).
Genomic context (GRCh38, chr7:6,005,905, plus strand): 5'-AACATTCACAGATCATTTCTTGTGGCTTAAAACTCTCCCAAACTTACCAATATTAGTGGC[A>CT]CCAGCATCCAGACTGTTTTCTACTAACTCCTTTACCGCAGTGCTTAGACTCAGTACCACC-3'

ClinVar aggregate classification (germline): Pathogenic (1 of 4 stars; one submission).

Conditions:
Lynch syndrome 4 (LYNCH4). Also called: Colorectal cancer, hereditary nonpolyposis, type 4; Hereditary non-polyposis colorectal cancer, type 4. Identifiers: Orphanet 144, MedGen C1838333, MONDO:0013699, OMIM 614337. Disease mechanism: loss of function.

Submission:

Myriad Genetics, Inc.
Classification: Pathogenic for Lynch syndrome 4. Last evaluated: 2025-10-23. Review status: criteria provided, single submitter. Criteria: Myriad Autosomal Dominant, Autosomal Recessive and X-Linked Classification Criteria (2023). Collection method: clinical testing. Allele origin: unknown.
Comment: This variant is considered pathogenic. This variant creates a frameshift predicted to result in premature protein truncation.